The following is an entry in ClinVar:

NM_001903.5(CTNNA1):c.121A>C (p.Asn41His)

Gene: CTNNA1 (catenin alpha 1; plus strand). Cytogenetic location: 5q31.2.
Variant type: single nucleotide variant.
Coding change: c.121A>C on transcript NM_001903.5 (MANE Select); coding-DNA position 121, A replaced by C.
Protein change: p.Asn41His; replaces asparagine 41 with histidine.
Molecular consequence: missense variant. On other transcripts: 5 prime UTR variant (1), intron variant (1).
Genome position (GRCh38, 1-based): chr5:138,783,192, A>C. VCF-style: chr5-138783192-A-C. GRCh37 (hg19) VCF-style: chr5-138118881-A-C.
Other names: c.121A>C, p.Asn41His (NM_001290307.3, NM_001323982.2, NM_001323983.1 and 3 more transcripts); c.-86A>C (NM_001290310.3); c.-9+1163A>C (NM_001290309.3); short protein forms N41H.
Identifiers: ClinVar variation 964461 (VCV000964461.9), dbSNP rs1755321895, ClinGen allele CA361477287.

ClinVar aggregate classification (germline): Uncertain significance (1 of 4 stars; one submission).

Submission:

Labcorp Genetics (formerly Invitae), Labcorp
Classification: Uncertain significance. Last evaluated: 2019-09-16. Review status: criteria provided, single submitter. Criteria: Invitae Variant Classification Sherloc (09022015). Collection method: clinical testing. Allele origin: germline.
Comment: This sequence change replaces asparagine with histidine at codon 41 of the CTNNA1 protein (p.Asn41His). The asparagine residue is highly conserved and there is a small physicochemical difference between asparagine and histidine. Algorithms developed to predict the effect of missense changes on protein structure and function are either unavailable or do not agree on the potential impact of this missense change (SIFT: "Deleterious"; PolyPhen-2: "Probably Damaging"; Align-GVGD: "Class C0"). This variant has not been reported in the literature in individuals with CTNNA1-related conditions. This variant is not present in population databases (ExAC no frequency). In summary, the available evidence is currently insufficient to determine the role of this variant in disease. Therefore, it has been classified as a Variant of Uncertain Significance.